The following is an entry in ClinVar:

ClinVar aggregate classification (germline): Benign/Likely benign. Review status: criteria provided, multiple submitters, no conflicts (2 of 4 stars). 6 submissions from 6 submitters: Benign (1); Likely benign (3). 2 of the submissions do not count toward it. Last evaluated 2026-01-22.

Conditions:
Deficiency of adenosine deaminase 2. Also called: Adenosine Deaminase 2 Deficiency; Polyarteritis nodosa, childhoood-onset; VASCULITIS, AUTOINFLAMMATION, IMMUNODEFICIENCY, AND HEMATOLOGIC DEFECTS SYNDROME. Identifiers: Orphanet 404553, MedGen C3887654, MONDO:0014306, OMIM 615688, MONDO:0100317.
ADA2-related disorder. Also called: ADA2-related condition.

Allele frequency attached by ClinVar (database versions not stated): gnomAD exomes 0.00020 and 0.00040; ExAC 0.00048; gnomAD 0.00147 and 0.00161; ESP Exome Variant Server 0.00154; 1000 Genomes Project 30x 0.00172; TOPMed 0.00179; 1000 Genomes Project 0.00180.
gnomAD v4.1: 519 of 1,610,002 alleles (0.032%); highest among the groups gnomAD compares: African/African-American, 0.5%; no homozygotes.

Submissions (6):

Women's Health and Genetics/Laboratory Corporation of America, LabCorp
Classification: Likely benign. Last evaluated: 2026-01-22. Review status: criteria provided, single submitter. Criteria: LabCorp Variant Classification Summary - May 2015. Collection method: clinical testing. Allele origin: germline.

Labcorp Genetics (formerly Invitae), Labcorp
Classification: Benign for Deficiency of adenosine deaminase 2. Last evaluated: 2026-01-05. Review status: criteria provided, single submitter. Criteria: Invitae Variant Classification Sherloc (09022015). Collection method: clinical testing. Allele origin: germline.

Blueprint Genetics
Classification: Likely benign. Last evaluated: 2024-11-04. Review status: criteria provided, single submitter. Criteria: ACMG Guidelines, 2015. Collection method: clinical testing. Allele origin: germline.

ARUP Laboratories, Molecular Genetics and Genomics, ARUP Laboratories
Classification: Likely benign. Last evaluated: 2022-09-13. Review status: criteria provided, single submitter. Criteria: ARUP Molecular Germline Variant Investigation Process 2021. Collection method: clinical testing. Allele origin: germline.

Genetic Services Laboratory, University of Chicago
Classification: Likely benign. Last evaluated: 2022-05-09. Review status: no assertion criteria provided. Collection method: clinical testing. Allele origin: germline. Affected: no. Not counted in ClinVar's aggregate classification.

PreventionGenetics, part of Exact Sciences
Classification: Likely benign for ADA2-related condition. Last evaluated: 2019-06-12. Review status: no assertion criteria provided. Collection method: clinical testing. Allele origin: germline. Not counted in ClinVar's aggregate classification.
Comment: This variant is classified as likely benign based on ACMG/AMP sequence variant interpretation guidelines (Richards et al. 2015 PMID: 25741868, with internal and published modifications).

NM_001282225.2(ADA2):c.542+7A>G

Gene: ADA2 (adenosine deaminase 2; minus strand). Cytogenetic location: 22q11.1.
Variant type: single nucleotide variant.
Coding change: c.542+7A>G on transcript NM_001282225.2 (MANE Select); 7 bases into the intron after coding-DNA position 542, A replaced by G.
Molecular consequence: intron variant.
Genome position (GRCh38, 1-based): chr22:17,207,064, T>C on the plus strand (A>G on the coding strand, the complement: ADA2 is on the minus strand). VCF-style: chr22-17207064-T-C. GRCh37 (hg19) VCF-style: chr22-17687954-T-C.
Other names: c.416+7A>G (NM_001282227.2, NM_001282228.2); c.182+7A>G (NM_001282229.2); c.542+7A>G (NM_001282226.2).
Identifiers: ClinVar variation 541743 (VCV000541743.26), dbSNP rs149078840, ClinGen allele CA10088211.
Genomic context (GRCh38, chr22:17,207,064, plus strand): 5'-GGGAGACACCTACCCACTGCCACCCCATGACAGGCCTGGGACATGTGCTTTCTGAACTAC[T>C]ACTCACCTGTCATCAAACTCAGTGACGTTCTGCACCCGCTTCCGATAATCCTCCAGCAGA-3'